The following is an entry in ClinVar:

NM_000419.5(ITGA2B):c.799+15C>T

Gene: ITGA2B (integrin subunit alpha 2b; minus strand). Cytogenetic location: 17q21.31.
Variant type: single nucleotide variant.
Coding change: c.799+15C>T on transcript NM_000419.5 (MANE Select); 15 bases into the intron after coding-DNA position 799, C replaced by T.
Molecular consequence: intron variant.
Genome position (GRCh38, 1-based): chr17:44,384,933, G>A on the plus strand (C>T on the coding strand, the complement: ITGA2B is on the minus strand). VCF-style: chr17-44384933-G-A. GRCh37 (hg19) VCF-style: chr17-42462301-G-A.
Other names: c.799+15C>T (LRG_479t1).
Identifiers: ClinVar variation 323563 (VCV000323563.11), dbSNP rs374469971, ClinGen allele CA8603350.

ClinVar aggregate classification (germline): Likely benign. Review status: reviewed by expert panel (3 of 4 stars). 4 submissions from 4 submitters: Likely benign (1). 3 of the submissions do not count toward it. Last evaluated 2024-02-20.

Conditions:
Glanzmann thrombasthenia. Also called: THROMBASTHENIA OF GLANZMANN AND NAEGELI; Glanzmann's thrombasthenia; PLATELET GLYCOPROTEIN IIb-IIIa DEFICIENCY; Thrombasthenia. Identifiers: Orphanet 849, MedGen C0040015, MONDO:0100326.

Allele frequency attached by ClinVar (database versions not stated): TOPMed 0.00040; gnomAD exomes 0.00044 and 0.00055; ESP Exome Variant Server 0.00046; gnomAD 0.00058 and 0.00061; ExAC 0.00071.
gnomAD v4.1: 723 of 1,614,038 alleles (0.045%); highest among the groups gnomAD compares: Non-Finnish European, 0.054%; 2 homozygotes.

Submissions (4):

ClinGen Platelet Disorders Variant Curation Expert Panel, ClinGen
Classification: Likely benign for Glanzmann thrombasthenia. Last evaluated: 2024-02-20. Review status: reviewed by expert panel. Criteria: ClinGen Platelet ACMG Specifications v2-1. Collection method: curation. Allele origin: germline. Inheritance: Autosomal recessive inheritance.
Comment: The c.799+15C>T variant in ITGA2B is an intronic variant which occurs in intron 7/29. The highest population minor allele frequency in gnomAD v4 is 0.002027 (21/10358 alleles) in the Ashkenazi Jewish population, which is higher than the ClinGen PD VCEP threshold (>0.00158), and therefore meets this criterion (BS1).This variant is not predicted by SpliceAI to impact splicing. In addition, it occurs at a nucleotide that is not conserved as shown by phyloP score of -0.8264 (BP7). In summary, this variant meets the criteria to be classified as likely benign for autosomal recessive Glanzmann Thrombasthenia based on the ACMG/AMP criteria applied, as specified by the ClinGen PD VCEP: BS1, BP7. (VCEP specifications version 2)

Labcorp Genetics (formerly Invitae), Labcorp
Classification: Likely benign for Glanzmann thrombasthenia. Last evaluated: 2025-12-29. Review status: criteria provided, single submitter. Criteria: Invitae Variant Classification Sherloc (09022015). Collection method: clinical testing. Allele origin: germline. Not counted in ClinVar's aggregate classification.

Blueprint Genetics
Classification: Likely benign. Last evaluated: 2024-11-22. Review status: criteria provided, single submitter. Criteria: ACMG Guidelines, 2015. Collection method: clinical testing. Allele origin: germline. Not counted in ClinVar's aggregate classification.

Illumina Laboratory Services, Illumina
Classification: Uncertain significance for Glanzmann thrombasthenia 1. Last evaluated: 2018-01-12. Review status: criteria provided, single submitter. Criteria: ICSL Variant Classification Criteria 13 December 2019. Collection method: clinical testing. Allele origin: germline. Not counted in ClinVar's aggregate classification.